The following is an entry in ClinVar:

ClinVar aggregate classification (germline): Pathogenic (1 of 4 stars; one submission).

Allele frequency attached by ClinVar (database versions not stated): TOPMed below 0.00001; ExAC 0.00001; gnomAD 0.00001.

Submission:

Labcorp Genetics (formerly Invitae), Labcorp
Classification: Pathogenic. Last evaluated: 2024-10-29. Review status: criteria provided, single submitter. Criteria: Invitae Variant Classification Sherloc (09022015). Collection method: clinical testing. Allele origin: germline.
Comment: This sequence change replaces tryptophan, which is neutral and slightly polar, with arginine, which is basic and polar, at codon 1461 of the ABCA4 protein (p.Trp1461Arg). This variant is present in population databases (rs753984595, gnomAD 0.007%). This missense change has been observed in individual(s) with Stargardt Disease (internal data). ClinVar contains an entry for this variant (Variation ID: 2006556). Invitae Evidence Modeling of protein sequence and biophysical properties (such as structural, functional, and spatial information, amino acid conservation, physicochemical variation, residue mobility, and thermodynamic stability) indicates that this missense variant is expected to disrupt ABCA4 protein function with a positive predictive value of 95%. This variant disrupts the p.Trp1461 amino acid residue in ABCA4. Other variant(s) that disrupt this residue have been determined to be pathogenic (PMID: 33546218). This suggests that this residue is clinically significant, and that variants that disrupt this residue are likely to be disease-causing. For these reasons, this variant has been classified as Pathogenic.

Literature cited by the submitters: PubMed 33546218.

NM_000350.3(ABCA4):c.4381T>C (p.Trp1461Arg)

Gene: ABCA4 (ATP binding cassette subfamily A member 4; minus strand). Cytogenetic location: 1p22.1.
Variant type: single nucleotide variant.
Coding change: c.4381T>C on transcript NM_000350.3 (MANE Select); coding-DNA position 4381, T replaced by C.
Protein change: p.Trp1461Arg; replaces tryptophan 1461 with arginine.
Molecular consequence: missense variant.
Genome position (GRCh38, 1-based): chr1:94,029,603, A>G on the plus strand (T>C on the coding strand, the complement: ABCA4 is on the minus strand). VCF-style: chr1-94029603-A-G. GRCh37 (hg19) VCF-style: chr1-94495159-A-G.
Other names: c.4159T>C, p.Trp1387Arg (NM_001425324.1); short protein forms W1461R, W1387R.
Identifiers: ClinVar variation 2006556 (VCV002006556.4), dbSNP rs753984595, ClinGen allele CA957617.
Genomic context (GRCh38, chr1:94,029,603, plus strand): 5'-GTGTCCATTTCTGCTTCTGGAACAGCTGGGTGATGTTTGGGGACACAGAAGGAGTCTTCC[A>G]GGGTGTTGAGTTGCCACAGGGGTACTCCCTCATGGAAGACAAGAAAATATTCCATAATCA-3'
Protein context (NP_000341.2, residues 1451-1471): PEYPCGNSTP[Trp1461Arg]KTPSVSPNIT